The following is an entry in ClinVar:

ClinVar aggregate classification (germline): Uncertain significance (1 of 4 stars; one submission).

Conditions:
Malignant hyperthermia, susceptibility to, 1 (MHS1). Also called: Anesthesia related hyperthermia; Malignant hyperpyrexia; Fulminating hyperpyrexia; Pharmacogenic myopathy; RYR1-Related Malignant Hyperthermia Susceptibility; Malignant hyperthermia suceptibility 1. Identifiers: Orphanet 423, MedGen C2930980, MONDO:0007783, OMIM 145600.

Allele frequency attached by ClinVar (database versions not stated): gnomAD exomes below 0.00001.

Submission:

All of Us Research Program, National Institutes of Health
Classification: Uncertain significance for Malignant hyperthermia, susceptibility to, 1. Last evaluated: 2023-11-30. Review status: criteria provided, single submitter. Criteria: ACMG Guidelines, 2015. Collection method: clinical testing. Allele origin: germline. Inheritance: Autosomal dominant inheritance. Observed: 1 variant allele, 1 heterozygote.
Comment: This study involves interpretation of variants in research participants for the purpose of population health screening. Participant phenotype was not available at the time of variant classification. Additional details can be found in publication PMID: 35346344, PMCID: PMC8962531

NM_000540.3(RYR1):c.12638A>G (p.Lys4213Arg)

Gene: RYR1 (ryanodine receptor 1; plus strand). Cytogenetic location: 19q13.2.
Variant type: single nucleotide variant.
Coding change: c.12638A>G on transcript NM_000540.3 (MANE Select); coding-DNA position 12638, A replaced by G.
Protein change: p.Lys4213Arg; replaces lysine 4213 with arginine.
Molecular consequence: missense variant.
Genome position (GRCh38, 1-based): chr19:38,564,972, A>G. VCF-style: chr19-38564972-A-G. GRCh37 (hg19) VCF-style: chr19-39055612-A-G.
Other names: c.12623A>G, p.Lys4208Arg (NM_001042723.2); short protein forms K4208R, K4213R.
Identifiers: ClinVar variation 3073061 (VCV003073061.1), dbSNP rs2514673822, ClinGen allele CA405670798.
Genomic context (GRCh38, chr19:38,564,972, plus strand): 5'-AGCCCCCGCTGACGGCGCCCTATCCTGTCTGCCGCCCCTCGCTTCAGGTGAAGGAGTCCA[A>G]GCGCCAGTTCATCTTCGACGTGGTGAACGAGGGCGGCGAGGCTGAGAAGATGGAGCTCTT-3'
Protein context (NP_000531.2, residues 4203-4223): QWEMPQVKES[Lys4213Arg]RQFIFDVVNE